The following is an entry in ClinVar:

ClinVar aggregate classification (germline): Pathogenic. Review status: criteria provided, multiple submitters, no conflicts (2 of 4 stars). 2 submissions from 2 submitters: Pathogenic (2). Last evaluated 2025-08-08.

Conditions:
Inborn genetic diseases. Identifiers: MedGen C0950123, MeSH D030342.

Submissions (2):

Ambry Genetics
Classification: Pathogenic for Inborn genetic diseases. Last evaluated: 2025-08-08. Review status: criteria provided, single submitter. Criteria: Ambry Variant Classification Scheme 2023. Collection method: clinical testing. Allele origin: germline.
Comment: The c.1657C>T (p.Q553*) alteration, located in exon 13 (coding exon 13) of the CACNA1F gene, consists of a C to T substitution at nucleotide position 1657. This changes the amino acid from a glutamine (Q) to a stop codon at amino acid position 553. This alteration is expected to result in loss of function by premature protein truncation or nonsense-mediated mRNA decay. This variant was not reported in population-based cohorts in the Genome Aggregation Database (gnomAD). Based on the available evidence, this alteration is classified as pathogenic.

Labcorp Genetics (formerly Invitae), Labcorp
Classification: Pathogenic. Last evaluated: 2023-12-27. Review status: criteria provided, single submitter. Criteria: Invitae Variant Classification Sherloc (09022015). Collection method: clinical testing. Allele origin: germline.
Comment: This sequence change creates a premature translational stop signal (p.Gln553*) in the CACNA1F gene. It is expected to result in an absent or disrupted protein product. Loss-of-function variants in CACNA1F are known to be pathogenic (PMID: 9662399, 11281458, 17525176, 22194652, 24124559, 26992781). This variant is not present in population databases (gnomAD no frequency). This variant has not been reported in the literature in individuals affected with CACNA1F-related conditions. Algorithms developed to predict the effect of sequence changes on RNA splicing suggest that this variant may disrupt the consensus splice site. For these reasons, this variant has been classified as Pathogenic.

Literature cited by the submitters: PubMed 9662399 (cited by Labcorp Genetics (formerly Invitae), Labcorp); PubMed 11281458 (cited by Labcorp Genetics (formerly Invitae), Labcorp); PubMed 17525176 (cited by Labcorp Genetics (formerly Invitae), Labcorp); PubMed 22194652 (cited by Labcorp Genetics (formerly Invitae), Labcorp); PubMed 24124559 (cited by Labcorp Genetics (formerly Invitae), Labcorp); PubMed 26992781 (cited by Labcorp Genetics (formerly Invitae), Labcorp).

NM_001256789.3(CACNA1F):c.1624C>T (p.Gln542Ter)

Gene: CACNA1F (calcium voltage-gated channel subunit alpha1 F; minus strand). Cytogenetic location: Xp11.23.
Variant type: single nucleotide variant.
Coding change: c.1624C>T on transcript NM_001256789.3 (MANE Select); coding-DNA position 1624, C replaced by T.
Protein change: p.Gln542Ter; replaces glutamine 542 with a stop codon.
Molecular consequence: nonsense.
Genome position (GRCh38, 1-based): chrX:49,225,936, G>A on the plus strand (C>T on the coding strand, the complement: CACNA1F is on the minus strand). VCF-style: chrX-49225936-G-A. GRCh37 (hg19) VCF-style: chrX-49082398-G-A.
Other names: c.1657C>T (NM_005183.2); c.1462C>T, p.Gln488Ter (NM_001256790.3); c.1657C>T, p.Gln553Ter (NM_005183.4); short protein forms Q488*, Q542*, Q553*.
Identifiers: ClinVar variation 2705856 (VCV002705856.4), dbSNP rs2519123259, ClinGen allele CA412916096.